The following is an entry in ClinVar:

ClinVar aggregate classification (germline): Uncertain significance. Review status: criteria provided, multiple submitters, no conflicts (2 of 4 stars). 2 submissions from 2 submitters: Uncertain significance (2). Last evaluated 2024-05-16.

Conditions:
Inborn genetic diseases. Identifiers: MedGen C0950123, MeSH D030342.
Sulfite oxidase deficiency due to molybdenum cofactor deficiency type C. Also called: Molybdenum cofactor deficiency, complementation group C; Molybdenum cofactor deficiency C. Identifiers: Orphanet 308400, Orphanet 833, MedGen C1854990, MONDO:0014212, OMIM 615501.

Allele frequency attached by ClinVar (database versions not stated): gnomAD exomes below 0.00001 and 0.00001.
gnomAD v4.1: 1 of 1,613,992 alleles (0.000062%); highest among the groups gnomAD compares: Admixed American, 0.0017%; no homozygotes.

Submissions (2):

Labcorp Genetics (formerly Invitae), Labcorp
Classification: Uncertain significance for Sulfite oxidase deficiency due to molybdenum cofactor deficiency type C. Last evaluated: 2024-05-16. Review status: criteria provided, single submitter. Criteria: Invitae Variant Classification Sherloc (09022015). Collection method: clinical testing. Allele origin: germline.
Comment: This sequence change replaces threonine, which is neutral and polar, with alanine, which is neutral and non-polar, at codon 9 of the GPHN protein (p.Thr9Ala). This variant is present in population databases (no rsID available, gnomAD 0.003%). This variant has not been reported in the literature in individuals affected with GPHN-related conditions. ClinVar contains an entry for this variant (Variation ID: 1374669). An algorithm developed to predict the effect of missense changes on protein structure and function (PolyPhen-2) suggests that this variant is likely to be tolerated. In summary, the available evidence is currently insufficient to determine the role of this variant in disease. Therefore, it has been classified as a Variant of Uncertain Significance.

Ambry Genetics
Classification: Uncertain significance for Inborn genetic diseases. Last evaluated: 2024-01-19. Review status: criteria provided, single submitter. Criteria: Ambry Variant Classification Scheme 2023. Collection method: clinical testing. Allele origin: germline.

NM_020806.5(GPHN):c.25A>G (p.Thr9Ala)

Gene: GPHN (gephyrin; plus strand). Cytogenetic location: 14q23.3.
Variant type: single nucleotide variant.
Coding change: c.25A>G on transcript NM_020806.5 (MANE Select); coding-DNA position 25, A replaced by G.
Protein change: p.Thr9Ala; replaces threonine 9 with alanine.
Molecular consequence: missense variant.
Genome position (GRCh38, 1-based): chr14:66,508,552, A>G. VCF-style: chr14-66508552-A-G. GRCh37 (hg19) VCF-style: chr14-66975270-A-G.
Other names: c.25A>G, p.Thr9Ala (NM_001024218.2, NM_001377514.1, NM_001377515.1 and 4 more transcripts); c.25A>G (NM_020806.4); short protein forms T9A.
Identifiers: ClinVar variation 1374669 (VCV001374669.9), dbSNP rs1322719524, ClinGen allele CA390255069.